The following is an entry in ClinVar:

ClinVar aggregate classification (germline): Pathogenic/Likely pathogenic. Review status: criteria provided, multiple submitters, no conflicts (2 of 4 stars). 2 submissions from 2 submitters: Pathogenic (1); Likely pathogenic (1). Last evaluated 2025-09-17.

Conditions:
Autosomal recessive Alport syndrome (ATS2). Also called: COL4A4 Alport Syndrome and Thin Basement Membrane Nephropathy; Alport syndrome type 2; ALPORT SYNDROME 2, AUTOSOMAL RECESSIVE; COL4A3-Related Nephropathy. Identifiers: Orphanet 63, Orphanet 88919, MedGen C4746745, MONDO:0008762, OMIM 203780.
Hematuria, benign familial, 1 (BFH1). Also called: THIN MEMBRANE NEPHROPATHY. Identifiers: MedGen CN376803, MONDO:0007709, OMIM 141200.

Submissions (2):

Labcorp Genetics (formerly Invitae), Labcorp
Classification: Pathogenic. Last evaluated: 2025-09-17. Review status: criteria provided, single submitter. Criteria: Invitae Variant Classification Sherloc (09022015). Collection method: clinical testing. Allele origin: germline.
Comment: This sequence change creates a premature translational stop signal (p.Gly128Glufs*6) in the COL4A4 gene. It is expected to result in an absent or disrupted protein product. Loss-of-function variants in COL4A4 are known to be pathogenic (PMID: 21196518, 24854265, 25307543). This variant is not present in population databases (gnomAD no frequency). This variant has not been reported in the literature in individuals affected with COL4A4-related conditions. ClinVar contains an entry for this variant (Variation ID: 3585941). For these reasons, this variant has been classified as Pathogenic.

Fulgent Genetics
Classification: Likely pathogenic for Hematuria, benign familial, 1; Autosomal recessive Alport syndrome. Last evaluated: 2024-05-18. Review status: criteria provided, single submitter. Criteria: ACMG Guidelines, 2015. Collection method: clinical testing. Allele origin: germline.

Literature cited by the submitters: PubMed 21196518 (cited by Labcorp Genetics (formerly Invitae), Labcorp); PubMed 24854265 (cited by Labcorp Genetics (formerly Invitae), Labcorp); PubMed 25307543 (cited by Labcorp Genetics (formerly Invitae), Labcorp).

NM_000092.5(COL4A4):c.383_398del (p.Gly128fs)

Gene: COL4A4 (collagen type IV alpha 4 chain; minus strand). Cytogenetic location: 2q36.3.
Variant type: Deletion.
Coding change: c.383_398del on transcript NM_000092.5 (MANE Select); coding-DNA positions 383 to 398, 16 bases deleted (GGCCTCCTGGACCCAG).
Protein change: p.Gly128fs; shifts the reading frame from glycine 128.
Molecular consequence: frameshift variant.
Genome position (GRCh38, 1-based): chr2:227,118,736-227,118,751, CTGGGTCCAGGAGGCC deleted on the plus strand (GGCCTCCTGGACCCAG on the coding strand, the reverse complement: COL4A4 is on the minus strand); deleting any 16 consecutive bases within chr2:227,118,736-227,118,757 gives the same sequence; the c. name uses the placement nearest the transcript's 3' end. VCF-style (leftmost placement, unchanged base first): chr2-227118735-TCTGGGTCCAGGAGGCC-T. GRCh37 (hg19) VCF-style: chr2-227983451-TCTGGGTCCAGGAGGCC-T.
Other names: short protein forms G128fs.
Identifiers: ClinVar variation 3585941 (VCV003585941.2).